The following is an entry in ClinVar:

ClinVar aggregate classification (germline): Pathogenic (1 of 4 stars; one submission).

Conditions:
CEP290-related ciliopathy. Also called: CEP290 ciliopathy. Identifiers: MedGen CN305601, MONDO:0100451.

Submission:

Myriad Genetics, Inc.
Classification: Pathogenic for CEP290-related ciliopathy. Last evaluated: 2025-06-14. Review status: criteria provided, single submitter. Criteria: Myriad Autosomal Dominant, Autosomal Recessive and X-Linked Classification Criteria (2023). Collection method: clinical testing. Allele origin: unknown.
Comment: NM_025114.3(CEP290):c.2051delA(N684Mfs*3) is expected to be pathogenic in the context of CEP290-related disorders. This variant is predicted to lead to an abnormal or absent protein product due to the creation of a premature termination codon in CEP290, a gene where loss-of-function variants are known to be pathogenic. Please note: this variant was assessed in the context of healthy population screening.

NM_025114.4(CEP290):c.2051del (p.Asn684fs)

Gene: CEP290 (centrosomal protein 290; minus strand). Cytogenetic location: 12q21.32.
Variant type: Deletion.
Coding change: c.2051del on transcript NM_025114.4 (MANE Select); coding-DNA position 2051, one base deleted (A; older notation c.2051delA).
Protein change: p.Asn684fs; shifts the reading frame from asparagine 684.
Molecular consequence: frameshift variant.
Genome position (GRCh38, 1-based): chr12:88,114,421, T deleted on the plus strand (A on the coding strand, the reverse complement: CEP290 is on the minus strand); the first of 2 consecutive T bases (chr12:88,114,421-88,114,422); deleting either gives the same sequence. VCF-style (leftmost placement, unchanged base first): chr12-88114420-AT-A. GRCh37 (hg19) VCF-style: chr12-88508197-AT-A.
Other names: short protein forms N684fs.
Identifiers: ClinVar variation 5014591 (VCV005014591.1).